The following is an entry in ClinVar:

NM_000051.4(ATM):c.2200dup (p.Val734fs)

Gene: ATM (ATM serine/threonine kinase; plus strand). Cytogenetic location: 11q22.3.
Variant type: Duplication.
Coding change: c.2200dup on transcript NM_000051.4 (MANE Select); coding-DNA position 2200, one base duplicated (G; older notation c.2200dupG).
Protein change: p.Val734fs; shifts the reading frame from valine 734.
Molecular consequence: frameshift variant.
Genome position (GRCh38, 1-based): chr11:108,256,290, G duplicated. VCF-style (leftmost placement, unchanged base first): chr11-108256289-T-TG. GRCh37 (hg19) VCF-style: chr11-108127016-T-TG.
Other names: c.2200dup, p.Val734fs (NM_001351834.2); short protein forms V734fs.
Identifiers: ClinVar variation 2128482 (VCV002128482.4), dbSNP rs2497359436, ClinGen allele CA2580083326.

ClinVar aggregate classification (germline): Pathogenic (1 of 4 stars; one submission).

Conditions:
Ataxia-telangiectasia syndrome (AT). Also called: Cerebello-oculocutaneous telangiectasia; Immunodeficiency with ataxia telangiectasia; Ataxia-telangiectasia, complementation group D; Ataxia telangiectasia (A-T); ATAXIA-TELANGIECTASIA, COMPLEMENTATION GROUP A; ATAXIA-TELANGIECTASIA, FRESNO VARIANT. Identifiers: Orphanet 100, MedGen C0004135, MONDO:0008840, OMIM 208900.

Submission:

Labcorp Genetics (formerly Invitae), Labcorp
Classification: Pathogenic for Ataxia-telangiectasia syndrome. Last evaluated: 2022-09-27. Review status: criteria provided, single submitter. Criteria: Invitae Variant Classification Sherloc (09022015). Collection method: clinical testing. Allele origin: germline.
Comment: This sequence change creates a premature translational stop signal (p.Val734Glyfs*4) in the ATM gene. It is expected to result in an absent or disrupted protein product. Loss-of-function variants in ATM are known to be pathogenic (PMID: 23807571, 25614872). This variant is not present in population databases (gnomAD no frequency). This variant has not been reported in the literature in individuals affected with ATM-related conditions. For these reasons, this variant has been classified as Pathogenic.

Literature cited by the submitters: PubMed 23807571; PubMed 25614872.